The following is an entry in ClinVar:

NM_001375567.1(FOCAD):c.4744G>A (p.Ala1582Thr)

Gene: FOCAD (focadhesin; plus strand). Cytogenetic location: 9p21.3.
Variant type: single nucleotide variant.
Coding change: c.4744G>A on transcript NM_001375567.1 (MANE Select); coding-DNA position 4744, G replaced by A.
Protein change: p.Ala1582Thr; replaces alanine 1582 with threonine.
Molecular consequence: missense variant.
Genome position (GRCh38, 1-based): chr9:20,986,303, G>A. VCF-style: chr9-20986303-G-A. GRCh37 (hg19) VCF-style: chr9-20986302-G-A.
Other names: c.4639G>A, p.Ala1547Thr (NM_001375568.1, NM_001375570.1); c.4744G>A, p.Ala1582Thr (NM_017794.5); short protein forms A1547T, A1582T.
Identifiers: ClinVar variation 3640267 (VCV003640267.2).

ClinVar aggregate classification (germline): Uncertain significance (1 of 4 stars; one submission).

Submission:

Labcorp Genetics (formerly Invitae), Labcorp
Classification: Uncertain significance. Last evaluated: 2024-02-12. Review status: criteria provided, single submitter. Criteria: Invitae Variant Classification Sherloc (09022015). Collection method: clinical testing. Allele origin: germline.
Comment: This sequence change replaces alanine, which is neutral and non-polar, with threonine, which is neutral and polar, at codon 1582 of the FOCAD protein (p.Ala1582Thr). This variant is not present in population databases (gnomAD no frequency). This variant has not been reported in the literature in individuals affected with FOCAD-related conditions. Experimental studies and prediction algorithms are not available or were not evaluated, and the functional significance of this variant is currently unknown. In summary, the available evidence is currently insufficient to determine the role of this variant in disease. Therefore, it has been classified as a Variant of Uncertain Significance.